The following is an entry in ClinVar:

ClinVar aggregate classification (germline): Uncertain significance (1 of 4 stars; one submission).

Conditions:
Inborn genetic diseases. Identifiers: MedGen C0950123, MeSH D030342.

Submission:

Ambry Genetics
Classification: Uncertain significance for Inborn genetic diseases. Last evaluated: 2021-09-30. Review status: criteria provided, single submitter. Criteria: Ambry Variant Classification Scheme 2023. Collection method: clinical testing. Allele origin: germline.
Comment: The p.E1000Q variant (also known as c.2998G>C), located in coding exon 21 of the MIB1 gene, results from a G to C substitution at nucleotide position 2998. The glutamic acid at codon 1000 is replaced by glutamine, an amino acid with highly similar properties. This amino acid position is conserved. In addition, the in silico prediction for this alteration is inconclusive. Since supporting evidence is limited at this time, the clinical significance of this alteration remains unclear.

NM_020774.4(MIB1):c.2998G>C (p.Glu1000Gln)

Gene: MIB1 (MIB E3 ubiquitin protein ligase 1; plus strand). Cytogenetic location: 18q11.2.
Variant type: single nucleotide variant.
Coding change: c.2998G>C on transcript NM_020774.4 (MANE Select); coding-DNA position 2998, G replaced by C.
Protein change: p.Glu1000Gln; replaces glutamic acid 1000 with glutamine.
Molecular consequence: missense variant.
Genome position (GRCh38, 1-based): chr18:21,864,643, G>C. VCF-style: chr18-21864643-G-C. GRCh37 (hg19) VCF-style: chr18-19444604-G-C.
Other names: short protein forms E1000Q.
Identifiers: ClinVar variation 1798593 (VCV001798593.2), dbSNP rs2510609830, ClinGen allele CA401798204.
Genomic context (GRCh38, chr18:21,864,643, plus strand): 5'-GGAACCTGTCAACTCTGTGGAGACCGCATGAGTGAATGTCCTATCTGTCGCAAGGCTATT[G>C]AACGAAGGATTCTTTTGTATTAACTAAGACACATGGTGTATTTTGTTAGCTAATGTATCT-3'
Protein context (NP_065825.1, residues 990-1006): SECPICRKAI[Glu1000Gln]RRILLY